The following is an entry in ClinVar:

NM_001375380.1(EBF3):c.1210C>T (p.Arg404Ter)

Gene: EBF3 (EBF transcription factor 3; minus strand). Cytogenetic location: 10q26.3.
Variant type: single nucleotide variant.
Coding change: c.1210C>T on transcript NM_001375380.1 (MANE Select); coding-DNA position 1210, C replaced by T.
Protein change: p.Arg404Ter; replaces arginine 404 with a stop codon.
Molecular consequence: nonsense.
Genome position (GRCh38, 1-based): chr10:129,842,278, G>A on the plus strand (C>T on the coding strand, the complement: EBF3 is on the minus strand). VCF-style: chr10-129842278-G-A. GRCh37 (hg19) VCF-style: chr10-131640542-G-A.
Other names: c.1183C>T, p.Arg395Ter (NM_001005463.3, NM_001375390.1, NM_001375392.1); c.1210C>T, p.Arg404Ter (NM_001375379.1, NM_001375389.1, NM_001375391.1); short protein forms R395*, R404*.
Identifiers: ClinVar variation 620273 (VCV000620273.12), dbSNP rs1564816319, ClinGen allele CA378720670.

ClinVar aggregate classification (germline): Pathogenic/Likely pathogenic. Review status: criteria provided, multiple submitters, no conflicts (2 of 4 stars). 5 submissions from 5 submitters: Pathogenic (3); Likely pathogenic (1). 1 of the submissions does not count toward it. Last evaluated 2024-11-14.

Conditions:
Inborn genetic diseases. Identifiers: MedGen C0950123, MeSH D030342.
Hypotonia, ataxia, and delayed development syndrome (HADDS). Also called: EBF3 Neurodevelopmental Disorder. Identifiers: Orphanet 658843, MedGen C4310618, MONDO:0015021, OMIM 617330.
EBF3-related disorder. Identifiers: MedGen CN239924.

Allele frequency attached by ClinVar (database versions not stated): gnomAD exomes below 0.00001.

Submissions (5):

Ambry Genetics
Classification: Pathogenic for Inborn genetic diseases. Last evaluated: 2024-11-14. Review status: criteria provided, single submitter. Criteria: Ambry Variant Classification Scheme 2023. Collection method: clinical testing. Allele origin: germline.
Comment: The c.1183C>T (p.R395*) alteration, located in exon 13 (coding exon 13) of the EBF3 gene, consists of a C to T substitution at nucleotide position 1183. This changes the amino acid from an arginine (R) to a stop codon at amino acid position 395. This alteration is expected to result in loss of function by premature protein truncation or nonsense-mediated mRNA decay. This variant was not reported in population-based cohorts in the Genome Aggregation Database (gnomAD). This variant has been determined to be the result of germline mosaicism in one individual with features consistent with EBF3-related neurodevelopmental disorder (Ignatius, 2020). Based on the available evidence, this alteration is classified as pathogenic.

GeneDx
Classification: Pathogenic. Last evaluated: 2023-04-29. Review status: criteria provided, single submitter. Criteria: GeneDx Variant Classification Process June 2021. Collection method: clinical testing. Allele origin: germline. Affected: yes.
Comment: Nonsense variant predicted to result in protein truncation or nonsense mediated decay in a gene for which loss-of-function is a known mechanism of disease; Not observed at significant frequency in large population cohorts (gnomAD); This variant is associated with the following publications: (PMID: 34999443, 32637629)

Dasa
Classification: Pathogenic for EBF3-related disorder. Last evaluated: 2022-04-10. Review status: criteria provided, single submitter. Criteria: ACMG Guidelines, 2015. Collection method: clinical testing. Allele origin: germline. Affected: yes. Observed: 1 variant allele.
Comment: The c.1183C>T;p.(Arg395*) variant creates a premature translational stop signal in the EBF3 gene. It is expected to result in an absent or disrupted protein product -PVS1. This sequence change has been observed in affected individual(s) and ClinVar contains an entry for this variant (Clinvar ID: 620273; PMID: 32637629) - PS4_moderate. This variant is not present in population databases (rs1564816319- gnomAD; ABraOM no frequency) - PM2. In summary, the currently available evidence indicates that the variant is pathogenic.

Institute of Medical Genetics and Applied Genomics, University Hospital Tübingen
Classification: Likely pathogenic. Last evaluated: 2020-10-23. Review status: criteria provided, single submitter. Criteria: ACMG Guidelines, 2015. Collection method: clinical testing. Allele origin: germline. Inheritance: Autosomal dominant inheritance. Affected: yes.

NEUROCHILD, Pediatric Research Center
Classification: Pathogenic for Hypotonia, ataxia, and delayed development syndrome. Review status: no assertion criteria provided. Collection method: research. Allele origin: inherited. Affected: yes. Not counted in ClinVar's aggregate classification.

Literature cited by the submitters: PubMed 32637629 (cited by Ambry Genetics and Dasa).